The following is an entry in ClinVar:

ClinVar aggregate classification (germline): Likely benign. Review status: criteria provided, multiple submitters, no conflicts (2 of 4 stars). 5 submissions from 5 submitters: Likely benign (5). Last evaluated 2024-07-20.

Conditions:
Aortic aneurysm, familial thoracic 4 (AAT4). Also called: AORTIC ANEURYSM/AORTIC DISSECTION AND PATENT DUCTUS ARTERIOSUS. Identifiers: MedGen C1851504, MONDO:0007568, OMIM 132900.
Familial thoracic aortic aneurysm and aortic dissection (TAAD). Also called: Thoracic aortic aneurysms and dissections. Identifiers: Orphanet 91387, MedGen C4707243, MONDO:0019625.

Allele frequency attached by ClinVar (database versions not stated): gnomAD 0.00001 and 0.00003; ExAC 0.00003; gnomAD exomes 0.00003; TOPMed 0.00005; ESP Exome Variant Server 0.00008; 1000 Genomes Project 0.00020; 1000 Genomes Project 30x 0.00031.
gnomAD v4.1: 25 of 1,613,862 alleles (0.0015%); highest among the groups gnomAD compares: East Asian, 0.018%; no homozygotes.

Submissions (5):

Labcorp Genetics (formerly Invitae), Labcorp
Classification: Likely benign for Aortic aneurysm, familial thoracic 4. Last evaluated: 2024-07-20. Review status: criteria provided, single submitter. Criteria: Invitae Variant Classification Sherloc (09022015). Collection method: clinical testing. Allele origin: germline.

Blueprint Genetics
Classification: Likely benign. Last evaluated: 2023-08-01. Review status: criteria provided, single submitter. Criteria: ACMG Guidelines, 2015. Collection method: clinical testing. Allele origin: germline.

All of Us Research Program, National Institutes of Health
Classification: Likely benign for Familial thoracic aortic aneurysm and aortic dissection. Last evaluated: 2023-05-31. Review status: criteria provided, single submitter. Criteria: ACMG Guidelines, 2015. Collection method: clinical testing. Allele origin: germline. Inheritance: Autosomal dominant inheritance. Observed: 1 variant allele, 1 heterozygote.
Comment: This study involves interpretation of variants in research participants for the purpose of population health screening. Participant phenotype was not available at the time of variant classification. Additional details can be found in publication PMID: 35346344, PMCID: PMC8962531

Ambry Genetics
Classification: Likely benign for Familial thoracic aortic aneurysm and aortic dissection. Last evaluated: 2019-09-21. Review status: criteria provided, single submitter. Criteria: Ambry Variant Classification Scheme 2023. Collection method: clinical testing. Allele origin: germline.

Color Diagnostics, LLC DBA Color Health
Classification: Likely benign for Familial thoracic aortic aneurysm and aortic dissection. Last evaluated: 2019-01-25. Review status: criteria provided, single submitter. Criteria: ACMG Guidelines, 2015. Collection method: clinical testing. Allele origin: germline.

NM_002474.3(MYH11):c.3873C>T (p.Ser1291=)

Genes: MYH11 (myosin heavy chain 11; minus strand), NDE1 (nudE neurodevelopment protein 1; plus strand). Cytogenetic location: 16p13.11.
Variant type: single nucleotide variant.
Coding change: c.3873C>T on transcript NM_002474.3 (MANE Select); coding-DNA position 3873, C replaced by T.
Protein change: p.Ser1291=; no amino-acid change (serine 1291 retained).
Molecular consequence: synonymous variant. On other transcripts: 3 prime UTR variant (2).
Genome position (GRCh38, 1-based): chr16:15,724,978, G>A on the plus strand (C>T on the coding strand, the complement: MYH11 is on the minus strand). VCF-style: chr16-15724978-G-A. GRCh37 (hg19) VCF-style: chr16-15818835-G-A.
Other names: c.3894C>T, p.Ser1298= (NM_001040113.2, NM_001040114.2); c.3873C>T, p.Ser1291= (NM_022844.3); c.*727G>A (NM_001143979.2, NM_017668.3).
Identifiers: ClinVar variation 808001 (VCV000808001.24), dbSNP rs140339691, ClinGen allele CA7921849.